The following is an entry in ClinVar:

NM_015335.5(MED13L):c.4310T>A (p.Phe1437Tyr)

Gene: MED13L (mediator complex subunit 13L; minus strand). Cytogenetic location: 12q24.21.
Variant type: single nucleotide variant.
Coding change: c.4310T>A on transcript NM_015335.5 (MANE Select); coding-DNA position 4310, T replaced by A.
Protein change: p.Phe1437Tyr; replaces phenylalanine 1437 with tyrosine.
Molecular consequence: missense variant.
Genome position (GRCh38, 1-based): chr12:115,986,294, A>T on the plus strand (T>A on the coding strand, the complement: MED13L is on the minus strand). VCF-style: chr12-115986294-A-T. GRCh37 (hg19) VCF-style: chr12-116424099-A-T.
Other names: short protein forms F1437Y.
Identifiers: ClinVar variation 4994695 (VCV004994695.1).

ClinVar aggregate classification (germline): Uncertain significance (1 of 4 stars; one submission).

Conditions:
MED13L-related disorder. Also called: MED13L-related condition.

Submission:

PreventionGenetics, part of Exact Sciences
Classification: Uncertain significance for MED13L-related condition. Last evaluated: 2026-05-12. Review status: criteria provided, single submitter. Criteria: ACMG Guidelines, 2015. Collection method: clinical testing. Allele origin: germline.
Comment: The MED13L c.4310T>A variant is predicted to result in the amino acid substitution p.Phe1437Tyr. To our knowledge, this variant has not been reported in the literature or in a large population database (gnomAD), indicating this variant is rare. At this time, the clinical significance of this variant is uncertain due to the absence of conclusive functional and genetic evidence.